The following is an entry in ClinVar:

NM_000243.3(MEFV):c.656G>A (p.Gly219Asp)

Gene: MEFV (MEFV innate immunity regulator, pyrin; minus strand). Cytogenetic location: 16p13.3.
Variant type: single nucleotide variant.
Coding change: c.656G>A on transcript NM_000243.3 (MANE Select); coding-DNA position 656, G replaced by A.
Protein change: p.Gly219Asp; replaces glycine 219 with aspartic acid.
Molecular consequence: missense variant. On other transcripts: intron variant (1).
Genome position (GRCh38, 1-based): chr16:3,254,412, C>T on the plus strand (G>A on the coding strand, the complement: MEFV is on the minus strand). VCF-style: chr16-3254412-C-T. GRCh37 (hg19) VCF-style: chr16-3304412-C-T.
Other names: c.277+1899G>A (NM_001198536.2); short protein forms G219D.
Identifiers: ClinVar variation 1315983 (VCV001315983.4), dbSNP rs752973530, ClinGen allele CA7860360.

ClinVar aggregate classification (germline): Conflicting classifications of pathogenicity. Review status: criteria provided, conflicting classifications (1 of 4 stars). 5 submissions from 3 submitters: Uncertain significance (3); Likely benign (2). Last evaluated 2023-02-08.

Conditions:
Familial Mediterranean fever (FMF). Also called: POLYSEROSITIS, FAMILIAL PAROXYSMAL; POLYSEROSITIS, RECURRENT; Periodic peritonitis; Benign paroxysmal peritonitis. Identifiers: Orphanet 342, MedGen C0031069, MONDO:0018088, OMIM 249100. Disease mechanism: gain of function.
Familial Mediterranean fever, autosomal dominant. Also called: Dominant Familial Mediterranean Fever; FMF, AUTOSOMAL DOMINANT. Identifiers: Orphanet 342, MedGen C1851347, MONDO:0007601, OMIM 134610.
Acute febrile neutrophilic dermatosis (AFND). Also called: Sweet Syndrome; Gomm Button disease. Identifiers: Orphanet 3243, MedGen C0085077, MONDO:0011959, OMIM 608068.

Allele frequency attached by ClinVar (database versions not stated): ExAC 0.00004; TOPMed 0.00017; gnomAD exomes 0.00004 and 0.00009; gnomAD 0.00018.
gnomAD v4.1: 48 of 1,612,304 alleles (0.003%); highest among the groups gnomAD compares: Admixed American, 0.078%; no homozygotes.

Submissions (5):

Genome-Nilou Lab
Classification: Uncertain significance for Familial Mediterranean fever. Last evaluated: 2023-02-08. Review status: criteria provided, single submitter. Criteria: ACMG Guidelines, 2015. Collection method: clinical testing. Allele origin: germline.

Genome-Nilou Lab
Classification: Likely benign for Familial Mediterranean fever, autosomal dominant. Last evaluated: 2023-02-08. Review status: criteria provided, single submitter. Criteria: ACMG Guidelines, 2015. Collection method: clinical testing. Allele origin: germline.

Genome-Nilou Lab
Classification: Likely benign for Acute febrile neutrophilic dermatosis. Last evaluated: 2023-02-08. Review status: criteria provided, single submitter. Criteria: ACMG Guidelines, 2015. Collection method: clinical testing. Allele origin: germline.

Fulgent Genetics
Classification: Uncertain significance for Familial Mediterranean fever, autosomal dominant; Familial Mediterranean fever; Acute febrile neutrophilic dermatosis. Last evaluated: 2022-02-09. Review status: criteria provided, single submitter. Criteria: ACMG Guidelines, 2015. Collection method: clinical testing. Allele origin: unknown.

GeneDx
Classification: Uncertain significance. Last evaluated: 2019-12-30. Review status: criteria provided, single submitter. Criteria: GeneDx Variant Classification Process June 2021. Collection method: clinical testing. Allele origin: germline. Affected: yes.
Comment: In silico analysis, which includes protein predictors and evolutionary conservation, supports that this variant does not alter protein structure/function; Has not been previously published as pathogenic or benign to our knowledge; Located outside the mutational hotspots in MEFV